The following is an entry in ClinVar:

NM_004646.4(NPHS1):c.1620G>C (p.Ala540=)

Gene: NPHS1 (NPHS1 adhesion molecule, nephrin; minus strand). Cytogenetic location: 19q13.12.
Variant type: single nucleotide variant.
Coding change: c.1620G>C on transcript NM_004646.4 (MANE Select); coding-DNA position 1620, G replaced by C.
Protein change: p.Ala540=; no amino-acid change (alanine 540 retained).
Molecular consequence: synonymous variant.
Genome position (GRCh38, 1-based): chr19:35,846,015, C>G on the plus strand (G>C on the coding strand, the complement: NPHS1 is on the minus strand). VCF-style: chr19-35846015-C-G. GRCh37 (hg19) VCF-style: chr19-36336917-C-G.
Identifiers: ClinVar variation 721129 (VCV000721129.16), dbSNP rs375861433, ClinGen allele CA9390385.

ClinVar aggregate classification (germline): Conflicting classifications of pathogenicity. Review status: criteria provided, conflicting classifications (1 of 4 stars). 4 submissions from 4 submitters: Uncertain significance (1); Likely benign (1). 2 of the submissions do not count toward it. Last evaluated 2026-02-04.

Conditions:
NPHS1-related disorder. Also called: NPHS1-related condition.
Finnish congenital nephrotic syndrome (NPHS1). Also called: NEPHROTIC SYNDROME, TYPE 1. Identifiers: Orphanet 839, MedGen C0403399, MONDO:0009732, OMIM 256300.

Allele frequency attached by ClinVar (database versions not stated): ESP Exome Variant Server 0.00015; 1000 Genomes Project 0.00020; gnomAD exomes 0.00029; 1000 Genomes Project 30x 0.00031; gnomAD 0.00041 and 0.00042; TOPMed 0.00045.

Submissions (4):

Labcorp Genetics (formerly Invitae), Labcorp
Classification: Likely benign. Last evaluated: 2026-02-04. Review status: criteria provided, single submitter. Criteria: Invitae Variant Classification Sherloc (09022015). Collection method: clinical testing. Allele origin: germline.

GeneDx
Classification: Uncertain significance. Last evaluated: 2025-05-27. Review status: criteria provided, single submitter. Criteria: GeneDx Variant Classification Process June 2021. Collection method: clinical testing. Allele origin: germline. Affected: yes.
Comment: In silico analysis is inconclusive as to whether the variant alters gene splicing. In the absence of RNA/functional studies, the actual effect of this sequence change is unknown; Has not been previously published as pathogenic or benign to our knowledge

Natera, Inc.
Classification: Likely benign for Finnish congenital nephrotic syndrome. Last evaluated: 2020-06-16. Review status: no assertion criteria provided. Collection method: clinical testing. Allele origin: germline. Not counted in ClinVar's aggregate classification.

PreventionGenetics, part of Exact Sciences
Classification: Likely benign for NPHS1-related condition. Last evaluated: 2019-10-21. Review status: no assertion criteria provided. Collection method: clinical testing. Allele origin: germline. Not counted in ClinVar's aggregate classification.
Comment: This variant is classified as likely benign based on ACMG/AMP sequence variant interpretation guidelines (Richards et al. 2015 PMID: 25741868, with internal and published modifications).